The following is an entry in ClinVar:

ClinVar aggregate classification (germline): Uncertain significance. Review status: criteria provided, multiple submitters, no conflicts (2 of 4 stars). 2 submissions from 2 submitters: Uncertain significance (2). Last evaluated 2025-07-07.

Conditions:
Primary ciliary dyskinesia. Also called: Ciliary dyskinesia. Identifiers: Orphanet 244, MedGen C0008780, MONDO:0016575, HP:0012265.

Allele frequency attached by ClinVar (database versions not stated): gnomAD exomes 0.00001 and 0.00002; ExAC 0.00002; TOPMed 0.00005; gnomAD 0.00007.
gnomAD v4.1: 23 of 1,614,052 alleles (0.0014%); highest among the groups gnomAD compares: African/African-American, 0.017%; no homozygotes.

Submissions (2):

Ambry Genetics
Classification: Uncertain significance for Primary ciliary dyskinesia. Last evaluated: 2025-07-07. Review status: criteria provided, single submitter. Criteria: Ambry Variant Classification Scheme 2023. Collection method: clinical testing. Allele origin: germline.
Comment: The p.V702M variant (also known as c.2104G>A), located in coding exon 13 of the CCDC40 gene, results from a G to A substitution at nucleotide position 2104. The valine at codon 702 is replaced by methionine, an amino acid with highly similar properties. This amino acid position is conserved. In addition, this alteration is predicted to be tolerated by in silico analysis. Based on the available evidence, the clinical significance of this variant remains unclear.

Labcorp Genetics (formerly Invitae), Labcorp
Classification: Uncertain significance for Primary ciliary dyskinesia. Last evaluated: 2022-06-03. Review status: criteria provided, single submitter. Criteria: Invitae Variant Classification Sherloc (09022015). Collection method: clinical testing. Allele origin: germline.
Comment: This sequence change replaces valine, which is neutral and non-polar, with methionine, which is neutral and non-polar, at codon 702 of the CCDC40 protein (p.Val702Met). This variant is present in population databases (rs748948064, gnomAD 0.02%). This variant has not been reported in the literature in individuals affected with CCDC40-related conditions. ClinVar contains an entry for this variant (Variation ID: 1425400). Algorithms developed to predict the effect of missense changes on protein structure and function are either unavailable or do not agree on the potential impact of this missense change (SIFT: "Deleterious"; PolyPhen-2: "Benign"; Align-GVGD: "Class C0"). In summary, the available evidence is currently insufficient to determine the role of this variant in disease. Therefore, it has been classified as a Variant of Uncertain Significance.

NM_017950.4(CCDC40):c.2104G>A (p.Val702Met)

Gene: CCDC40 (coiled-coil domain 40 molecular ruler complex subunit; plus strand). Cytogenetic location: 17q25.3.
Variant type: single nucleotide variant.
Coding change: c.2104G>A on transcript NM_017950.4 (MANE Select); coding-DNA position 2104, G replaced by A.
Protein change: p.Val702Met; replaces valine 702 with methionine.
Molecular consequence: missense variant.
Genome position (GRCh38, 1-based): chr17:80,084,857, G>A. VCF-style: chr17-80084857-G-A. GRCh37 (hg19) VCF-style: chr17-78058656-G-A.
Other names: c.2104G>A (NM_017950.3); c.2104G>A, p.Val702Met (NM_001243342.2); short protein forms V702M.
Identifiers: ClinVar variation 1425400 (VCV001425400.5), dbSNP rs748948064, ClinGen allele CA8814110.